The following is an entry in ClinVar:

NM_000038.6(APC):c.7118T>G (p.Met2373Arg)

Gene: APC (APC regulator of Wnt signaling pathway; plus strand). Cytogenetic location: 5q22.2.
Variant type: single nucleotide variant.
Coding change: c.7118T>G on transcript NM_000038.6 (MANE Select); coding-DNA position 7118, T replaced by G.
Protein change: p.Met2373Arg; replaces methionine 2373 with arginine.
Molecular consequence: missense variant.
Genome position (GRCh38, 1-based): chr5:112,842,712, T>G. VCF-style: chr5-112842712-T-G. GRCh37 (hg19) VCF-style: chr5-112178409-T-G.
Other names: c.7118T>G, p.Met2373Arg (NM_001127510.3, NM_001354895.2); c.7064T>G, p.Met2355Arg (NM_001127511.3); c.7172T>G, p.Met2391Arg (NM_001354896.2); c.7148T>G, p.Met2383Arg (NM_001354897.2); c.7043T>G, p.Met2348Arg (NM_001354898.2); c.7034T>G, p.Met2345Arg (NM_001354899.2); c.6995T>G, p.Met2332Arg (NM_001354900.2); c.6941T>G, p.Met2314Arg (NM_001354901.2); and 5 more; short protein forms M2373R, M2355R, M2332R, M2348R, M2090R, M2272R, M2314R, M2391R.
Identifiers: ClinVar variation 411397 (VCV000411397.15), dbSNP rs1060503286, ClinGen allele CA16036833.

ClinVar aggregate classification (germline): Uncertain significance. Review status: criteria provided, multiple submitters, no conflicts (2 of 4 stars). 2 submissions from 2 submitters: Uncertain significance (2). Last evaluated 2025-04-29.

Conditions:
Hereditary cancer-predisposing syndrome. Also called: Tumor predisposition; Hereditary Cancer Syndrome; Hereditary neoplastic syndrome; Neoplastic Syndromes, Hereditary. Identifiers: Orphanet 140162, MedGen C0027672, MeSH D009386, MONDO:0015356.
Familial adenomatous polyposis 1 (FAP1). Also called: FAMILIAL ADENOMATOUS POLYPOSIS 1, ATTENUATED; POLYPOSIS, ADENOMATOUS INTESTINAL. Identifiers: MedGen C2713442, MONDO:0021056, OMIM 175100. Disease mechanism: loss of function.

Submissions (2):

Ambry Genetics
Classification: Uncertain significance for Hereditary cancer-predisposing syndrome. Last evaluated: 2025-04-29. Review status: criteria provided, single submitter. Criteria: Ambry Variant Classification Scheme 2023. Collection method: clinical testing. Allele origin: germline.
Comment: The p.M2373R variant (also known as c.7118T>G), located in coding exon 15 of the APC gene, results from a T to G substitution at nucleotide position 7118. The methionine at codon 2373 is replaced by arginine, an amino acid with similar properties. This variant was reported in individual(s) with features consistent with Familial Adenomatous Polyposis syndrome (FAP) (Ambry internal data). This amino acid position is not well conserved in available vertebrate species. In addition, in silico predictors for this gene do not accurately predict pathogenicity. Based on the available evidence, the clinical significance of this variant remains unclear.

Labcorp Genetics (formerly Invitae), Labcorp
Classification: Uncertain significance for Familial adenomatous polyposis 1. Last evaluated: 2025-02-19. Review status: criteria provided, single submitter. Criteria: Invitae Variant Classification Sherloc (09022015). Collection method: clinical testing. Allele origin: germline.
Comment: This sequence change replaces methionine, which is neutral and non-polar, with arginine, which is basic and polar, at codon 2373 of the APC protein (p.Met2373Arg). This variant is not present in population databases (gnomAD no frequency). This variant has not been reported in the literature in individuals affected with APC-related conditions. ClinVar contains an entry for this variant (Variation ID: 411397). Invitae Evidence Modeling of protein sequence and biophysical properties (such as structural, functional, and spatial information, amino acid conservation, physicochemical variation, residue mobility, and thermodynamic stability) indicates that this missense variant is not expected to disrupt APC protein function with a negative predictive value of 95%. In summary, the available evidence is currently insufficient to determine the role of this variant in disease. Therefore, it has been classified as a Variant of Uncertain Significance.